The following is an entry in ClinVar:

NM_032119.4(ADGRV1):c.16313C>T (p.Thr5438Ile)

Gene: ADGRV1 (adhesion G protein-coupled receptor V1; plus strand). Cytogenetic location: 5q14.3.
Variant type: single nucleotide variant.
Coding change: c.16313C>T on transcript NM_032119.4 (MANE Select); coding-DNA position 16313, C replaced by T.
Protein change: p.Thr5438Ile; replaces threonine 5438 with isoleucine.
Molecular consequence: missense variant. On other transcripts: non-coding transcript variant (1).
Genome position (GRCh38, 1-based): chr5:90,823,541, C>T. VCF-style: chr5-90823541-C-T. GRCh37 (hg19) VCF-style: chr5-90119358-C-T.
Other names: short protein forms T5438I.
Identifiers: ClinVar variation 1005940 (VCV001005940.13), dbSNP rs745477465, ClinGen allele CA3342113.

ClinVar aggregate classification (germline): Conflicting classifications of pathogenicity. Review status: criteria provided, conflicting classifications (1 of 4 stars). 4 submissions from 4 submitters: Uncertain significance (1); Likely benign (1). 2 of the submissions do not count toward it. Last evaluated 2025-12-21.

Allele frequency attached by ClinVar (database versions not stated): gnomAD 0.00004; TOPMed 0.00005.
gnomAD v4.1: 27 of 1,613,818 alleles (0.0017%); highest among the groups gnomAD compares: East Asian, 0.04%; no homozygotes.

Submissions (4):

Labcorp Genetics (formerly Invitae), Labcorp
Classification: Likely benign. Last evaluated: 2025-12-21. Review status: criteria provided, single submitter. Criteria: Invitae Variant Classification Sherloc (09022015). Collection method: clinical testing. Allele origin: germline.

GeneDx
Classification: Uncertain significance. Last evaluated: 2022-01-17. Review status: criteria provided, single submitter. Criteria: GeneDx Variant Classification Process June 2021. Collection method: clinical testing. Allele origin: germline. Affected: yes.
Comment: In silico analysis supports that this missense variant does not alter protein structure/function; Has not been previously published as pathogenic or benign to our knowledge

Clinical Genetics DNA and cytogenetics Diagnostics Lab, Erasmus MC, Erasmus Medical Center
Classification: Likely benign. Review status: no assertion criteria provided. Collection method: clinical testing. Allele origin: germline. Affected: yes. Study: VKGL Data-share Consensus. Not counted in ClinVar's aggregate classification.

Clinical Genetics, Academic Medical Center
Classification: Likely benign. Review status: no assertion criteria provided. Collection method: clinical testing. Allele origin: germline. Affected: yes. Study: VKGL Data-share Consensus. Not counted in ClinVar's aggregate classification.